The following is an entry in ClinVar:

NM_024675.4(PALB2):c.2467C>T (p.Leu823Phe)

Gene: PALB2 (partner and localizer of BRCA2; minus strand). Cytogenetic location: 16p12.2.
Variant type: single nucleotide variant.
Coding change: c.2467C>T on transcript NM_024675.4 (MANE Select); coding-DNA position 2467, C replaced by T.
Protein change: p.Leu823Phe; replaces leucine 823 with phenylalanine.
Molecular consequence: missense variant.
Genome position (GRCh38, 1-based): chr16:23,629,687, G>A on the plus strand (C>T on the coding strand, the complement: PALB2 is on the minus strand). VCF-style: chr16-23629687-G-A. GRCh37 (hg19) VCF-style: chr16-23641008-G-A.
Other names: short protein forms L823F.
Identifiers: ClinVar variation 482039 (VCV000482039.5), dbSNP rs1555460320, ClinGen allele CA395124089.

ClinVar aggregate classification (germline): Uncertain significance (1 of 4 stars; one submission).

Conditions:
Hereditary cancer-predisposing syndrome. Also called: Neoplastic Syndromes, Hereditary; Tumor predisposition; Hereditary Cancer Syndrome; Hereditary neoplastic syndrome. Identifiers: Orphanet 140162, MedGen C0027672, MeSH D009386, MONDO:0015356.

Submission:

Ambry Genetics
Classification: Uncertain significance for Hereditary cancer-predisposing syndrome. Last evaluated: 2016-09-07. Review status: criteria provided, single submitter. Criteria: Ambry Variant Classification Scheme 2023. Collection method: clinical testing. Allele origin: germline.
Comment: The p.L823F variant (also known as c.2467C>T), located in coding exon 5 of the PALB2 gene, results from a C to T substitution at nucleotide position 2467. The leucine at codon 823 is replaced by phenylalanine, an amino acid with highly similar properties. This variant was not reported in population based cohorts in the following databases: Database of Single Nucleotide Polymorphisms (dbSNP), NHLBI Exome Sequencing Project (ESP), and 1000 Genomes Project. In the ESP, this variant was not observed in 6497 samples (12994 alleles) with coverage at this position. To date, this alteration has been detected with an allele frequency of approximately 0.0004% (greater than 225000 alleles tested) in our clinical cohort. This amino acid position is not well conserved in available vertebrate species. In addition, this alteration is predicted to be tolerated by in silico analysis. Since supporting evidence is limited at this time, the clinical significance of this alteration remains unclear.